The following is an entry in ClinVar:

NM_001113378.2(FANCI):c.3721G>A (p.Ala1241Thr)

Gene: FANCI (FA complementation group I; plus strand). Cytogenetic location: 15q26.1.
Variant type: single nucleotide variant.
Coding change: c.3721G>A on transcript NM_001113378.2 (MANE Select); coding-DNA position 3721, G replaced by A.
Protein change: p.Ala1241Thr; replaces alanine 1241 with threonine.
Molecular consequence: missense variant.
Genome position (GRCh38, 1-based): chr15:89,314,612, G>A. VCF-style: chr15-89314612-G-A. GRCh37 (hg19) VCF-style: chr15-89857843-G-A.
Other names: c.3442G>A, p.Ala1148Thr (NM_001376910.1); c.3721G>A, p.Ala1241Thr (NM_001376911.1); c.3541G>A, p.Ala1181Thr (NM_018193.3); short protein forms A1241T, A1181T, A1148T.
Identifiers: ClinVar variation 317297 (VCV000317297.19), dbSNP rs140357734, ClinGen allele CA7723883.

ClinVar aggregate classification (germline): Uncertain significance. Review status: criteria provided, multiple submitters, no conflicts (2 of 4 stars). 8 submissions from 8 submitters: Uncertain significance (8). Last evaluated 2026-02-02.

Conditions:
Fanconi anemia complementation group I (FANCI). Also called: FANCI-Related Fanconi Anemia. Identifiers: Orphanet 84, MedGen C1836861, MONDO:0012186, OMIM 609053.
Fanconi anemia (FA). Also called: Fanconi's anemia. Identifiers: Orphanet 84, MedGen C0015625, MeSH D005199, MONDO:0019391.

Allele frequency attached by ClinVar (database versions not stated): gnomAD exomes 0.00009 and 0.00013; ExAC 0.00012; TOPMed 0.00014; ESP Exome Variant Server 0.00015; gnomAD 0.00018 and 0.00019.

Submissions (8):

Dasa
Classification: Uncertain significance for Fanconi anemia complementation group I. Last evaluated: 2026-02-02. Review status: criteria provided, single submitter. Criteria: DASA Assertion Criteria. Collection method: clinical testing. Allele origin: germline.
Comment: NM_001113378.2(FANCI):c.3721G>A (p.Ala1241Thr) is a missense variant that results in the substitution of alanine with threonine. This variant is rare in population databases. Computational prediction algorithms are consistent with a deleterious effect. The currently available literature and clinical evidence are not sufficient to establish a definitive association between this variant and the reported condition. Therefore, this variant is classified as a variant of uncertain significance.

Blueprint Genetics
Classification: Uncertain significance. Last evaluated: 2024-07-19. Review status: criteria provided, single submitter. Criteria: ACMG Guidelines, 2015. Collection method: clinical testing. Allele origin: germline.

Fulgent Genetics
Classification: Uncertain significance for Fanconi anemia complementation group I. Last evaluated: 2024-01-05. Review status: criteria provided, single submitter. Criteria: ACMG Guidelines, 2015. Collection method: clinical testing. Allele origin: germline.

Labcorp Genetics (formerly Invitae), Labcorp
Classification: Uncertain significance for Fanconi anemia. Last evaluated: 2022-09-26. Review status: criteria provided, single submitter. Criteria: Invitae Variant Classification Sherloc (09022015). Collection method: clinical testing. Allele origin: germline.
Comment: This sequence change replaces alanine, which is neutral and non-polar, with threonine, which is neutral and polar, at codon 1241 of the FANCI protein (p.Ala1241Thr). This variant is present in population databases (rs140357734, gnomAD 0.03%). This variant has not been reported in the literature in individuals affected with FANCI-related conditions. ClinVar contains an entry for this variant (Variation ID: 317297). Algorithms developed to predict the effect of missense changes on protein structure and function are either unavailable or do not agree on the potential impact of this missense change (SIFT: "Deleterious"; PolyPhen-2: "Benign"; Align-GVGD: "Class C0"). In summary, the available evidence is currently insufficient to determine the role of this variant in disease. Therefore, it has been classified as a Variant of Uncertain Significance.

Sema4
Classification: Uncertain significance for Fanconi anemia. Last evaluated: 2022-03-06. Review status: criteria provided, single submitter. Criteria: Sema4 Curation Guidelines. Collection method: curation. Allele origin: germline.
Comment: To the best of our knowledge, the FANCI c.3721G>A (p.A1241T) variant has not been reported in individuals with FANCI-related disease. It was observed in 41/282800 chromosomes across all populations in the large and broad cohorts of the Genome Aggregation Database (PMID: 32461654). This variant has been reported in ClinVar (Variation ID 317297). Functional studies have not been performed, and in silico predictions of the variant's effect on protein function are inconclusive. The evidence is insufficient to meet ACMG/AMP criteria for classifying the variant as benign or pathogenic. Thus, the clinical significance of this variant is currently uncertain.

Institute for Clinical Genetics, University Hospital TU Dresden, University Hospital TU Dresden
Classification: Uncertain significance. Last evaluated: 2021-11-03. Review status: criteria provided, single submitter. Criteria: ACMG Guidelines, 2015. Collection method: clinical testing. Allele origin: germline.

Baylor Genetics
Classification: Uncertain significance for Fanconi anemia complementation group I. Last evaluated: 2020-04-10. Review status: criteria provided, single submitter. Criteria: ACMG Guidelines, 2015. Collection method: clinical testing. Allele origin: unknown. Affected: yes. Study: CSER-TexasKidsCanSeq.
Comment: This variant was determined to be of uncertain significance according to ACMG Guidelines, 2015 [PMID:25741868].

Illumina Laboratory Services, Illumina
Classification: Uncertain significance for Fanconi anemia complementation group I. Last evaluated: 2018-01-13. Review status: criteria provided, single submitter. Criteria: ICSL Variant Classification Criteria 13 December 2019. Collection method: clinical testing. Allele origin: germline.